The following is an entry in ClinVar:

NM_031206.7(LAS1L):c.2061C>G (p.Pro687=)

Gene: LAS1L (LAS1 like ribosome biogenesis factor; minus strand). Cytogenetic location: Xq12.
Variant type: single nucleotide variant.
Coding change: c.2061C>G on transcript NM_031206.7 (MANE Select); coding-DNA position 2061, C replaced by G.
Protein change: p.Pro687=; no amino-acid change (proline 687 retained).
Molecular consequence: synonymous variant. On other transcripts: non-coding transcript variant (1).
Genome position (GRCh38, 1-based): chrX:65,514,840, G>C on the plus strand (C>G on the coding strand, the complement: LAS1L is on the minus strand). VCF-style: chrX-65514840-G-C. GRCh37 (hg19) VCF-style: chrX-64734720-G-C.
Other names: c.2010C>G, p.Pro670= (NM_001170649.2); c.1884C>G, p.Pro628= (NM_001170650.2); c.2058C>G, p.Pro686= (NM_001375328.1); c.1104C>G, p.Pro368= (NM_001375332.1); c.2007C>G, p.Pro669= (NM_001375333.1).
Identifiers: ClinVar variation 2042094 (VCV002042094.21), dbSNP rs146839918, ClinGen allele CA10433833.
Genomic context (GRCh38, chrX:65,514,840, plus strand): 5'-GCAGAGAAAGGGGGTGAGAAATCCTGTTGCCATGGGCACTCACTCAGTCTTGCATGTTGA[G>C]GGTTCCAGCCGCTGCTCTAGCACAGGCTGGTCCAAAAGATACATGGTGTCATAATTCTCC-3'
Protein context (NP_112483.1, residues 677-697): DQPVLEQRLE[Pro687=]STCKTDTLGL

ClinVar aggregate classification (germline): Benign/Likely benign. Review status: criteria provided, multiple submitters, no conflicts (2 of 4 stars). 2 submissions from 2 submitters: Benign (1); Likely benign (1). Last evaluated 2024-07-01.

Conditions:
Wilson-Turner syndrome (WTS). Also called: MENTAL RETARDATION, X-LINKED, SYNDROMIC 6; INTELLECTUAL DEVELOPMENTAL DISORDER, X-LINKED, SYNDROMIC, WILSON-TURNER TYPE. Identifiers: Orphanet 3459, MedGen C1839736, MONDO:0010665, OMIM 309585.

Allele frequency attached by ClinVar (database versions not stated): gnomAD exomes 0.00010; gnomAD 0.00013; TOPMed 0.00013; ExAC 0.00020; ESP Exome Variant Server 0.00028.
gnomAD v4.1: 119 of 1,192,810 alleles (0.01%); highest among the groups gnomAD compares: Non-Finnish European, 0.0012%; no homozygotes.

Submissions (2):

CeGaT Center for Human Genetics Tuebingen
Classification: Likely benign. Last evaluated: 2024-07-01. Review status: criteria provided, single submitter. Criteria: CeGaT Center For Human Genetics Tuebingen Variant Classification Criteria Version 2. Collection method: clinical testing. Allele origin: germline. Affected: yes. Observed: 1 variant allele.
Comment: LAS1L: BP4, BP7, BS2

Labcorp Genetics (formerly Invitae), Labcorp
Classification: Benign for Wilson-Turner syndrome. Last evaluated: 2024-04-22. Review status: criteria provided, single submitter. Criteria: Invitae Variant Classification Sherloc (09022015). Collection method: clinical testing. Allele origin: germline.